The following is an entry in ClinVar:

ClinVar aggregate classification (germline): Uncertain significance (1 of 4 stars; one submission).

Conditions:
Catecholaminergic polymorphic ventricular tachycardia 1. Also called: VENTRICULAR TACHYCARDIA, STRESS-INDUCED POLYMORPHIC 1; VENTRICULAR TACHYCARDIA, CATECHOLAMINERGIC POLYMORPHIC, 1, WITH OR WITHOUT ATRIAL DYSFUNCTION AND/OR DILATED CARDIOMYOPATHY; RYR2-Related Catecholaminergic Polymorphic Ventricular Tachycardia. Identifiers: Orphanet 3286, MedGen C1631597, MONDO:0011484, OMIM 604772.

Allele frequency attached by ClinVar (database versions not stated): gnomAD exomes below 0.00001.
gnomAD v4.1: 2 of 1,295,594 alleles (0.00015%); highest among the groups gnomAD compares: South Asian, 0.0022%; no homozygotes.

Submission:

Labcorp Genetics (formerly Invitae), Labcorp
Classification: Uncertain significance for Catecholaminergic polymorphic ventricular tachycardia 1. Last evaluated: 2020-11-18. Review status: criteria provided, single submitter. Criteria: Invitae Variant Classification Sherloc (09022015). Collection method: clinical testing. Allele origin: germline.
Comment: This sequence change affects an acceptor splice site in intron 35 of the TRDN gene. It is expected to disrupt RNA splicing. Variants that disrupt the donor or acceptor splice site typically lead to a loss of protein function (PMID: 16199547), however the current clinical and genetic evidence is not sufficient to establish whether loss-of-function variants in TRDN cause disease. In summary, the available evidence is currently insufficient to determine the role of this variant in disease. Therefore, it has been classified as a Variant of Uncertain Significance. Algorithms developed to predict the effect of sequence changes on RNA splicing suggest that this variant may disrupt the consensus splice site, but this prediction has not been confirmed by published transcriptional studies. This variant has not been reported in the literature in individuals with TRDN-related conditions. The frequency data for this variant in the population databases is considered unreliable, as metrics indicate insufficient coverage at this position in the ExAC database.

Literature cited by the submitters: PubMed 16199547.

NM_006073.4(TRDN):c.1871-2A>G

Gene: TRDN (triadin; minus strand). Cytogenetic location: 6q22.31.
Variant type: single nucleotide variant.
Coding change: c.1871-2A>G on transcript NM_006073.4 (MANE Select); the canonical splice acceptor site of the intron before coding-DNA position 1871, A replaced by G.
Molecular consequence: splice acceptor variant.
Genome position (GRCh38, 1-based): chr6:123,255,904, T>C on the plus strand (A>G on the coding strand, the complement: TRDN is on the minus strand). VCF-style: chr6-123255904-T-C. GRCh37 (hg19) VCF-style: chr6-123577049-T-C.
Identifiers: ClinVar variation 1405516 (VCV001405516.9), dbSNP rs1483354092, ClinGen allele CA365562403.